The following is an entry in ClinVar:

NM_001353921.2(ARHGEF9):c.694C>T (p.Arg232Cys)

Gene: ARHGEF9 (Cdc42 guanine nucleotide exchange factor 9; minus strand). Cytogenetic location: Xq11.1.
Variant type: single nucleotide variant.
Coding change: c.694C>T on transcript NM_001353921.2 (MANE Select); coding-DNA position 694, C replaced by T.
Protein change: p.Arg232Cys; replaces arginine 232 with cysteine.
Molecular consequence: missense variant.
Genome position (GRCh38, 1-based): chrX:63,678,461, G>A on the plus strand (C>T on the coding strand, the complement: ARHGEF9 is on the minus strand). VCF-style: chrX-63678461-G-A. GRCh37 (hg19) VCF-style: chrX-62898341-G-A.
Other names: c.514C>T, p.Arg172Cys (NM_001173479.2); c.367C>T, p.Arg123Cys (NM_001173480.2, NM_001369042.1); c.610C>T, p.Arg204Cys (NM_001330495.2, NM_001353927.2, NM_001369033.1 and 8 more transcripts); c.694C>T, p.Arg232Cys (NM_001353922.2); c.712C>T, p.Arg238Cys (NM_001353923.1); c.493C>T, p.Arg165Cys (NM_001353924.2, NM_001353926.2, NM_001369039.1 and 1 more transcripts); c.673C>T, p.Arg225Cys (NM_001353928.2, NM_001369030.1, NM_001369031.1 and 2 more transcripts); c.259C>T, p.Arg87Cys (NM_001369045.1); short protein forms R123C, R165C, R172C, R204C, R225C, R232C, R238C, R87C.
Identifiers: ClinVar variation 1056942 (VCV001056942.12), dbSNP rs2147334395, ClinGen allele CA413406500.
Genomic context (GRCh38, chrX:63,678,461, plus strand): 5'-TCTGCACTGGAGTCAAAAGGAAACCATCGATAGCAATGTCAATCATCTGCTGCAAGAGGC[G>A]ACAGGCCTCAAAGAAGTGCTGGTAGCGGCTGTCCTTCATCAGTTTGGAGAGCTCCATGCA-3'
Protein context (NP_001340850.1, residues 222-242): SRYQHFFEAC[Arg232Cys]LLQQMIDIAI

ClinVar aggregate classification (germline): Uncertain significance. Review status: criteria provided, multiple submitters, no conflicts (2 of 4 stars). 2 submissions from 2 submitters: Uncertain significance (2). Last evaluated 2024-10-30.

Conditions:
Developmental and epileptic encephalopathy, 8 (DEE8). Also called: HYPEREKPLEXIA AND EPILEPSY. Identifiers: Orphanet 163985, Orphanet 2076, MedGen C1845102, MONDO:0010375, OMIM 300607.

Allele frequency attached by ClinVar (database versions not stated): gnomAD exomes below 0.00001.

Submissions (2):

Labcorp Genetics (formerly Invitae), Labcorp
Classification: Uncertain significance for Developmental and epileptic encephalopathy, 8. Last evaluated: 2024-10-30. Review status: criteria provided, single submitter. Criteria: Invitae Variant Classification Sherloc (09022015). Collection method: clinical testing. Allele origin: germline.
Comment: This sequence change replaces arginine, which is basic and polar, with cysteine, which is neutral and slightly polar, at codon 225 of the ARHGEF9 protein (p.Arg225Cys). This variant is not present in population databases (gnomAD no frequency). This missense change has been observed in individual(s) with clinical features of early infantile epileptic encephalopathy (internal data). ClinVar contains an entry for this variant (Variation ID: 1056942). Invitae Evidence Modeling of protein sequence and biophysical properties (such as structural, functional, and spatial information, amino acid conservation, physicochemical variation, residue mobility, and thermodynamic stability) has been performed for this missense variant. However, the output from this modeling did not meet the statistical confidence thresholds required to predict the impact of this variant on ARHGEF9 protein function. In summary, the available evidence is currently insufficient to determine the role of this variant in disease. Therefore, it has been classified as a Variant of Uncertain Significance.

GeneDx
Classification: Uncertain significance. Last evaluated: 2022-06-23. Review status: criteria provided, single submitter. Criteria: GeneDx Variant Classification Process June 2021. Collection method: clinical testing. Allele origin: germline. Affected: yes.
Comment: Not observed at significant frequency in large population cohorts (gnomAD); In silico analysis supports that this missense variant has a deleterious effect on protein structure/function; Has not been previously published as pathogenic or benign to our knowledge